The following is an entry in ClinVar:

ClinVar aggregate classification (germline): Uncertain significance (1 of 4 stars; one submission).

Conditions:
Intellectual developmental disorder, autosomal dominant 6, with or without seizures. Also called: GRIN2B-related developmental delay, intellectual disability and autism spectrum disorder; Intellectual disability, autosomal dominant 6. Identifiers: Orphanet 589547, MedGen C3151411, MONDO:0013509, OMIM 613970.
Developmental and epileptic encephalopathy, 27 (DEE27). Also called: GRIN2B-Related Neurodevelopmental Disorder; Epileptic encephalopathy, early infantile, 27. Identifiers: Orphanet 3451, MedGen C4015316, MONDO:0014505, OMIM 616139.

Allele frequency attached by ClinVar (database versions not stated): gnomAD exomes 0.00001; ExAC 0.00001; gnomAD 0.00001.
gnomAD v4.1: 10 of 1,614,086 alleles (0.00062%); highest among the groups gnomAD compares: Non-Finnish European, 0.00085%; no homozygotes.

Submission:

Labcorp Genetics (formerly Invitae), Labcorp
Classification: Uncertain significance for Developmental and epileptic encephalopathy, 27; Intellectual developmental disorder, autosomal dominant 6, with or without seizures. Last evaluated: 2021-06-06. Review status: criteria provided, single submitter. Criteria: Invitae Variant Classification Sherloc (09022015). Collection method: clinical testing. Allele origin: germline.
Comment: This sequence change replaces arginine with cysteine at codon 1057 of the GRIN2B protein (p.Arg1057Cys). The arginine residue is highly conserved and there is a large physicochemical difference between arginine and cysteine. The frequency data for this variant in the population databases is considered unreliable, as metrics indicate poor data quality at this position in the ExAC database. This variant has not been reported in the literature in individuals with GRIN2B-related conditions. Advanced modeling of protein sequence and biophysical properties (such as structural, functional, and spatial information, amino acid conservation, physicochemical variation, residue mobility, and thermodynamic stability) performed at Invitae indicates that this missense variant is not expected to disrupt GRIN2B protein function. In summary, the available evidence is currently insufficient to determine the role of this variant in disease. Therefore, it has been classified as a Variant of Uncertain Significance.

NM_000834.5(GRIN2B):c.3169C>T (p.Arg1057Cys)

Gene: GRIN2B (glutamate ionotropic receptor NMDA type subunit 2B; minus strand). Cytogenetic location: 12p13.1.
Variant type: single nucleotide variant.
Coding change: c.3169C>T on transcript NM_000834.5 (MANE Select); coding-DNA position 3169, C replaced by T.
Protein change: p.Arg1057Cys; replaces arginine 1057 with cysteine.
Molecular consequence: missense variant.
Genome position (GRCh38, 1-based): chr12:13,564,069, G>A on the plus strand (C>T on the coding strand, the complement: GRIN2B is on the minus strand). VCF-style: chr12-13564069-G-A. GRCh37 (hg19) VCF-style: chr12-13717003-G-A.
Other names: short protein forms R1057C.
Identifiers: ClinVar variation 1399568 (VCV001399568.8), dbSNP rs761084398, ClinGen allele CA6460934.